The following is an entry in ClinVar:

ClinVar aggregate classification (germline): Uncertain significance (1 of 4 stars; one submission).

Conditions:
Osteogenesis imperfecta type I (OI1). Also called: Lobstein disease; OI, TYPE I; OSTEOGENESIS IMPERFECTA TARDA; OSTEOGENESIS IMPERFECTA WITH BLUE SCLERAE; Osteogenesis imperfecta type 1; Lobstein's Disease. Identifiers: Orphanet 216796, Orphanet 666, MedGen C0023931, MONDO:0008146, OMIM 166200. Disease mechanism: loss of function.
Ehlers-Danlos syndrome, classic type, 1 (EDSCL1). Also called: EDS I; EHLERS-DANLOS SYNDROME, GRAVIS TYPE; EHLERS-DANLOS SYNDROME, SEVERE CLASSIC TYPE; Ehlers-Danlos syndrome, type 1; Ehlers-Danlos Syndrome, Classic Type, COL5A1-Related. Identifiers: MedGen C0268335, MONDO:0019567, OMIM 130000.

gnomAD v4.1: 1 of 1,614,080 alleles (0.000062%); highest among the groups gnomAD compares: Admixed American, 0.0017%; no homozygotes.

Submission:

Labcorp Genetics (formerly Invitae), Labcorp
Classification: Uncertain significance for Osteogenesis imperfecta type I; Ehlers-Danlos syndrome, classic type, 1. Last evaluated: 2023-06-20. Review status: criteria provided, single submitter. Criteria: Invitae Variant Classification Sherloc (09022015). Collection method: clinical testing. Allele origin: germline.
Comment: In summary, the available evidence is currently insufficient to determine the role of this variant in disease. Therefore, it has been classified as a Variant of Uncertain Significance. Algorithms developed to predict the effect of missense changes on protein structure and function output the following: SIFT: "Not Available"; PolyPhen-2: "Not Available"; Align-GVGD: "Not Available". The leucine amino acid residue is found in multiple mammalian species, which suggests that this missense change does not adversely affect protein function. This variant has not been reported in the literature in individuals affected with COL1A2-related conditions. This variant is not present in population databases (gnomAD no frequency). This sequence change replaces proline, which is neutral and non-polar, with leucine, which is neutral and non-polar, at codon 1212 of the COL1A2 protein (p.Pro1212Leu).

NM_000089.4(COL1A2):c.3635C>T (p.Pro1212Leu)

Gene: COL1A2 (collagen type I alpha 2 chain; plus strand). Cytogenetic location: 7q21.3.
Variant type: single nucleotide variant.
Coding change: c.3635C>T on transcript NM_000089.4 (MANE Select); coding-DNA position 3635, C replaced by T.
Protein change: p.Pro1212Leu; replaces proline 1212 with leucine.
Molecular consequence: missense variant.
Genome position (GRCh38, 1-based): chr7:94,428,401, C>T. VCF-style: chr7-94428401-C-T. GRCh37 (hg19) VCF-style: chr7-94057713-C-T.
Other names: short protein forms P1212L.
Identifiers: ClinVar variation 2924816 (VCV002924816.3), dbSNP rs1450148793, ClinGen allele CA368226402.
Genomic context (GRCh38, chr7:94,428,401, plus strand): 5'-AAGTATACTGTGATTTCTCTACTGGCGAAACCTGTATCCGGGCCCAACCTGAAAACATCC[C>T]AGCCAAGAACTGGTATAGGAGCTCCAAGGACAAGAAACACGTCTGGCTAGGAGAAACTAT-3'
Protein context (NP_000080.2, residues 1202-1222): TCIRAQPENI[Pro1212Leu]AKNWYRSSKD